The following is an entry in ClinVar:

NM_002098.6(GUCA1B):c.183G>A (p.Met61Ile)

Gene: GUCA1B (guanylate cyclase activator 1B; minus strand). Cytogenetic location: 6p21.1.
Variant type: single nucleotide variant.
Coding change: c.183G>A on transcript NM_002098.6 (MANE Select); coding-DNA position 183, G replaced by A.
Protein change: p.Met61Ile; replaces methionine 61 with isoleucine.
Molecular consequence: missense variant.
Genome position (GRCh38, 1-based): chr6:42,194,638, C>T on the plus strand (G>A on the coding strand, the complement: GUCA1B is on the minus strand). VCF-style: chr6-42194638-C-T. GRCh37 (hg19) VCF-style: chr6-42162376-C-T.
Other names: short protein forms M61I.
Identifiers: ClinVar variation 1419640 (VCV001419640.8), dbSNP rs754130006, ClinGen allele CA3805631.

ClinVar aggregate classification (germline): Uncertain significance (1 of 4 stars; one submission).

Allele frequency attached by ClinVar (database versions not stated): ExAC 0.00001; gnomAD exomes 0.00001 and below 0.00001; TOPMed 0.00001.
gnomAD v4.1: 2 of 1,612,998 alleles (0.00012%); highest among the groups gnomAD compares: Non-Finnish European, 0.00017%; no homozygotes.

Submission:

Labcorp Genetics (formerly Invitae), Labcorp
Classification: Uncertain significance. Last evaluated: 2025-11-12. Review status: criteria provided, single submitter. Criteria: Invitae Variant Classification Sherloc (09022015). Collection method: clinical testing. Allele origin: germline.
Comment: This sequence change replaces methionine, which is neutral and non-polar, with isoleucine, which is neutral and non-polar, at codon 61 of the GUCA1B protein (p.Met61Ile). This variant is present in population databases (rs754130006, gnomAD 0.01%). This variant has not been reported in the literature in individuals affected with GUCA1B-related conditions. ClinVar contains an entry for this variant (Variation ID: 1419640). An algorithm developed to predict the effect of missense changes on protein structure and function (PolyPhen-2) suggests that this variant is likely to be tolerated. In summary, the available evidence is currently insufficient to determine the role of this variant in disease. Therefore, it has been classified as a Variant of Uncertain Significance.